The following is an entry in ClinVar:

NM_182961.4(SYNE1):c.21351+4A>G

Gene: SYNE1 (spectrin repeat containing nuclear envelope protein 1; minus strand). Cytogenetic location: 6q25.2.
Variant type: single nucleotide variant.
Coding change: c.21351+4A>G on transcript NM_182961.4 (MANE Select); 4 bases into the intron after coding-DNA position 21351, A replaced by G.
Molecular consequence: intron variant.
Genome position (GRCh38, 1-based): chr6:152,225,717, T>C on the plus strand (A>G on the coding strand, the complement: SYNE1 is on the minus strand). VCF-style: chr6-152225717-T-C. GRCh37 (hg19) VCF-style: chr6-152546852-T-C.
Other names: c.21138+4A>G (NM_033071.5).
Identifiers: ClinVar variation 1461647 (VCV001461647.6), dbSNP rs2081431126, ClinGen allele CA1673224979.

ClinVar aggregate classification (germline): Uncertain significance (1 of 4 stars; one submission).

Conditions:
Autosomal recessive ataxia, Beauce type. Also called: SYNE1-Related Autosomal Recessive Cerebellar Ataxia; Spinocerebellar ataxia, autosomal recessive 8; ATAXIA, RECESSIVE, OF BEAUCE; SYNE1 Deficiency. Identifiers: Orphanet 88644, MedGen C1853116, MONDO:0012549, OMIM 610743.
Emery-Dreifuss muscular dystrophy 4, autosomal dominant (EDMD4). Also called: EMERY-DREIFUSS MUSCULAR DYSTROPHY 4 WITH VARIABLE FEATURES. Identifiers: Orphanet 261, MedGen C2751807, MONDO:0013071, OMIM 612998.

Allele frequency attached by ClinVar (database versions not stated): gnomAD exomes 0.00001.
gnomAD v4.1: 8 of 1,614,106 alleles (0.0005%); highest among the groups gnomAD compares: East Asian, 0.018%; no homozygotes.

Submission:

Labcorp Genetics (formerly Invitae), Labcorp
Classification: Uncertain significance for Emery-Dreifuss muscular dystrophy 4, autosomal dominant; Autosomal recessive ataxia, Beauce type. Last evaluated: 2022-12-06. Review status: criteria provided, single submitter. Criteria: Invitae Variant Classification Sherloc (09022015). Collection method: clinical testing. Allele origin: germline.
Comment: Variants that disrupt the consensus splice site are a relatively common cause of aberrant splicing (PMID: 17576681, 9536098). Algorithms developed to predict the effect of sequence changes on RNA splicing suggest that this variant may disrupt the consensus splice site. In summary, the available evidence is currently insufficient to determine the role of this variant in disease. Therefore, it has been classified as a Variant of Uncertain Significance. ClinVar contains an entry for this variant (Variation ID: 1461647). This variant has not been reported in the literature in individuals affected with SYNE1-related conditions. This variant is not present in population databases (gnomAD no frequency). This sequence change falls in intron 115 of the SYNE1 gene. It does not directly change the encoded amino acid sequence of the SYNE1 protein. It affects a nucleotide within the consensus splice site.

Literature cited by the submitters: PubMed 17576681; PubMed 9536098.